The following is an entry in ClinVar:

ClinVar aggregate classification (germline): Pathogenic/Likely pathogenic. Review status: criteria provided, multiple submitters, no conflicts (2 of 4 stars). 2 submissions from 2 submitters: Pathogenic (1); Likely pathogenic (1). Last evaluated 2023-02-09.

Conditions:
3-Oxo-5 alpha-steroid delta 4-dehydrogenase deficiency (PPSH). Also called: PSEUDOVAGINAL PERINEOSCROTAL HYPOSPADIAS; MALE PSEUDOHERMAPHRODITISM DUE TO 5-ALPHA-REDUCTASE DEFICIENCY; 46,XY disorder of sex development due to 5-alpha-reductase 2 deficiency; FAMILIAL INCOMPLETE MALE PSEUDOHERMAPHRODITISM, TYPE 2. Identifiers: Orphanet 753, MedGen C0268297, MONDO:0009923, OMIM 264600. Disease mechanism: loss of function.

Submissions (2):

Labcorp Genetics (formerly Invitae), Labcorp
Classification: Pathogenic for 3-Oxo-5 alpha-steroid delta 4-dehydrogenase deficiency. Last evaluated: 2023-02-09. Review status: criteria provided, single submitter. Criteria: Invitae Variant Classification Sherloc (09022015). Collection method: clinical testing. Allele origin: germline.
Comment: For these reasons, this variant has been classified as Pathogenic. Advanced modeling of protein sequence and biophysical properties (such as structural, functional, and spatial information, amino acid conservation, physicochemical variation, residue mobility, and thermodynamic stability) performed at Invitae indicates that this missense variant is not expected to disrupt SRD5A2 protein function. ClinVar contains an entry for this variant (Variation ID: 988403). This missense change has been observed in individual(s) with steroid-5 alpha-reductase deficiency (PMID: 20179965, 26761946, 30132287). This variant is not present in population databases (gnomAD no frequency). This sequence change replaces alanine, which is neutral and non-polar, with proline, which is neutral and non-polar, at codon 65 of the SRD5A2 protein (p.Ala65Pro).

Clinical Genetics and Genomics, Karolinska University Hospital
Classification: Likely pathogenic. Last evaluated: 2019-10-30. Review status: criteria provided, single submitter. Criteria: ACMG Guidelines, 2015. Collection method: clinical testing. Allele origin: germline. Affected: yes. Observed: 2 variant alleles.

Literature cited by the submitters: PubMed 20179965 (cited by Labcorp Genetics (formerly Invitae), Labcorp); PubMed 26761946 (cited by Labcorp Genetics (formerly Invitae), Labcorp); PubMed 30132287 (cited by Labcorp Genetics (formerly Invitae), Labcorp).

NM_000348.4(SRD5A2):c.193G>C (p.Ala65Pro)

Gene: SRD5A2 (steroid 5 alpha-reductase 2; minus strand). Cytogenetic location: 2p23.1.
Variant type: single nucleotide variant.
Coding change: c.193G>C on transcript NM_000348.4 (MANE Select); coding-DNA position 193, G replaced by C.
Protein change: p.Ala65Pro; replaces alanine 65 with proline.
Molecular consequence: missense variant.
Genome position (GRCh38, 1-based): chr2:31,580,708, C>G on the plus strand (G>C on the coding strand, the complement: SRD5A2 is on the minus strand). VCF-style: chr2-31580708-C-G. GRCh37 (hg19) VCF-style: chr2-31805778-C-G.
Other names: short protein forms A65P.
Identifiers: ClinVar variation 988403 (VCV000988403.4), dbSNP rs1186430097, ClinGen allele CA346598926.